The following is an entry in ClinVar:

NM_025099.6(CTC1):c.1602C>A (p.His534Gln)

Gene: CTC1 (CST telomere replication complex component 1; minus strand). Cytogenetic location: 17p13.1.
Variant type: single nucleotide variant.
Coding change: c.1602C>A on transcript NM_025099.6 (MANE Select); coding-DNA position 1602, C replaced by A.
Protein change: p.His534Gln; replaces histidine 534 with glutamine.
Molecular consequence: missense variant. On other transcripts: non-coding transcript variant (1).
Genome position (GRCh38, 1-based): chr17:8,234,764, G>T on the plus strand (C>A on the coding strand, the complement: CTC1 is on the minus strand). VCF-style: chr17-8234764-G-T. GRCh37 (hg19) VCF-style: chr17-8138082-G-T.
Other names: short protein forms H534Q.
Identifiers: ClinVar variation 658335 (VCV000658335.2), dbSNP rs1421770599, ClinGen allele CA397983602.

ClinVar aggregate classification (germline): Uncertain significance. Review status: criteria provided, multiple submitters, no conflicts (2 of 4 stars). 2 submissions from 2 submitters: Uncertain significance (2). Last evaluated 2023-12-22.

Conditions:
Dyskeratosis congenita. Identifiers: Orphanet 1775, MedGen C0265965, MONDO:0015780.
Cerebroretinal microangiopathy with calcifications and cysts 1 (CRMCC1). Identifiers: Orphanet 313838, MedGen C4552029, MONDO:0024564, OMIM 612199.

Allele frequency attached by ClinVar (database versions not stated): gnomAD exomes below 0.00001.

Submissions (2):

Fulgent Genetics
Classification: Uncertain significance for Cerebroretinal microangiopathy with calcifications and cysts 1. Last evaluated: 2023-12-22. Review status: criteria provided, single submitter. Criteria: ACMG Guidelines, 2015. Collection method: clinical testing. Allele origin: germline.

Labcorp Genetics (formerly Invitae), Labcorp
Classification: Uncertain significance for Dyskeratosis congenita. Last evaluated: 2018-10-31. Review status: criteria provided, single submitter. Criteria: Invitae Variant Classification Sherloc (09022015). Collection method: clinical testing. Allele origin: germline.
Comment: This sequence change replaces histidine with glutamine at codon 534 of the CTC1 protein (p.His534Gln). The histidine residue is moderately conserved and there is a small physicochemical difference between histidine and glutamine. This variant is not present in population databases (ExAC no frequency). This variant has not been reported in the literature in individuals with CTC1-related disease. Algorithms developed to predict the effect of missense changes on protein structure and function output the following: SIFT: "Tolerated"; PolyPhen-2: "Benign"; Align-GVGD: "Class C0". The glutamine amino acid residue is found in multiple mammalian species, suggesting that this missense change does not adversely affect protein function. These predictions have not been confirmed by published functional studies and their clinical significance is uncertain. In summary, the available evidence is currently insufficient to determine the role of this variant in disease. Therefore, it has been classified as a Variant of Uncertain Significance.